The following is an entry in ClinVar:

NM_001376.5(DYNC1H1):c.3156+4A>G

Gene: DYNC1H1 (dynein cytoplasmic 1 heavy chain 1; plus strand). Cytogenetic location: 14q32.31.
Variant type: single nucleotide variant.
Coding change: c.3156+4A>G on transcript NM_001376.5 (MANE Select); 4 bases into the intron after coding-DNA position 3156, A replaced by G.
Molecular consequence: intron variant.
Genome position (GRCh38, 1-based): chr14:101,994,328, A>G. VCF-style: chr14-101994328-A-G. GRCh37 (hg19) VCF-style: chr14-102460665-A-G.
Identifiers: ClinVar variation 3639850 (VCV003639850.2).
Genomic context (GRCh38, chr14:101,994,328, plus strand): 5'-GAAGAGTCGTATTCTGCTGTCATGGGCATTGTATCTGAAGTTGAACAGTATGTCAAGGTA[A>G]GAAACTCCTAATTTCATTCAAATGTGCATATGGTCTATTCTAGACACTTAAGAGTACAAG-3'

ClinVar aggregate classification (germline): Uncertain significance (1 of 4 stars; one submission).

Conditions:
Charcot-Marie-Tooth disease axonal type 2O. Also called: CHARCOT-MARIE-TOOTH NEUROPATHY, AXONAL, TYPE 2O; CHARCOT-MARIE-TOOTH DISEASE, AXONAL, AUTOSOMAL DOMINANT, TYPE 2O; Charcot-Marie-Tooth Neuropathy Type 2O; Charcot-Marie-Tooth disease, axonal, type 20. Identifiers: Orphanet 284232, MedGen C3280220, MONDO:0013644, OMIM 614228.

gnomAD v4.1: 1 of 1,614,240 alleles (0.000062%); highest among the groups gnomAD compares: Non-Finnish European, 0.000085%; no homozygotes.

Submission:

Labcorp Genetics (formerly Invitae), Labcorp
Classification: Uncertain significance for Charcot-Marie-Tooth disease axonal type 2O. Last evaluated: 2024-06-11. Review status: criteria provided, single submitter. Criteria: Invitae Variant Classification Sherloc (09022015). Collection method: clinical testing. Allele origin: germline.
Comment: This sequence change falls in intron 12 of the DYNC1H1 gene. It does not directly change the encoded amino acid sequence of the DYNC1H1 protein. It affects a nucleotide within the consensus splice site. This variant is present in population databases (rs765616360, gnomAD 0.0009%). This variant has not been reported in the literature in individuals affected with DYNC1H1-related conditions. Variants that disrupt the consensus splice site are a relatively common cause of aberrant splicing (PMID: 17576681, 9536098). Algorithms developed to predict the effect of sequence changes on RNA splicing suggest that this variant is not likely to affect RNA splicing. In summary, the available evidence is currently insufficient to determine the role of this variant in disease. Therefore, it has been classified as a Variant of Uncertain Significance.

Literature cited by the submitters: PubMed 17576681; PubMed 9536098.